The following is an entry in ClinVar:

ClinVar aggregate classification (germline): Uncertain significance (1 of 4 stars; one submission).

Submission:

Labcorp Genetics (formerly Invitae), Labcorp
Classification: Uncertain significance. Last evaluated: 2024-09-05. Review status: criteria provided, single submitter. Criteria: Invitae Variant Classification Sherloc (09022015). Collection method: clinical testing. Allele origin: germline.
Comment: This sequence change falls in intron 44 of the MYH7B gene. It does not directly change the encoded amino acid sequence of the MYH7B protein. This variant is not present in population databases (gnomAD no frequency). This variant has not been reported in the literature in individuals affected with MYH7B-related conditions. ClinVar contains an entry for this variant (Variation ID: 1969387). In summary, the available evidence is currently insufficient to determine the role of this variant in disease. Therefore, it has been classified as a Variant of Uncertain Significance.

NM_020884.7(MYH7B):c.5815-5_5815-2dup

Gene: MYH7B (myosin heavy chain 7B; plus strand). Cytogenetic location: 20q11.22.
Variant type: Duplication.
Coding change: c.5815-5_5815-2dup on transcript NM_020884.7 (MANE Select); 5 bases into the intron before coding-DNA position 5815 through the canonical splice acceptor site of the intron before coding-DNA position 5815, 4 bases duplicated (CTCA; older notation c.5815-5_5815-2dupCTCA).
Molecular consequence: splice acceptor variant.
Genome position (GRCh38, 1-based): chr20:35,002,172-35,002,175, CTCA duplicated. VCF-style (leftmost placement, unchanged base first): chr20-35002171-C-CCTCA. GRCh37 (hg19) VCF-style: chr20-33589974-C-CCTCA.
Identifiers: ClinVar variation 1969387 (VCV001969387.5), dbSNP rs2519254180, ClinGen allele CA2580098117.
Genomic context (GRCh38, chr20:35,002,171, plus strand): 5'-TCTGTGCAGGGGGACTGTGGGGGCTGACAGGTAGTACTGCTCACTCAGCTATCCCTTTCT[C>CCTCA]CTCAGCACAAGGAGTGACGGCCTGACCCCCTGGGCTCTAAAGAGGAATGTCTGCTGTTGC-3'